The following is an entry in ClinVar:

NM_001013703.4(EIF2AK4):c.1947G>T (p.Val649=)

Gene: EIF2AK4 (eukaryotic translation initiation factor 2 alpha kinase 4; plus strand). Cytogenetic location: 15q15.1.
Variant type: single nucleotide variant.
Coding change: c.1947G>T on transcript NM_001013703.4 (MANE Select); coding-DNA position 1947, G replaced by T.
Protein change: p.Val649=; no amino-acid change (valine 649 retained).
Molecular consequence: synonymous variant.
Genome position (GRCh38, 1-based): chr15:39,976,542, G>T. VCF-style: chr15-39976542-G-T. GRCh37 (hg19) VCF-style: chr15-40268743-G-T.
Identifiers: ClinVar variation 3388642 (VCV003388642.15).

ClinVar aggregate classification (germline): Likely benign. Review status: criteria provided, multiple submitters, no conflicts (2 of 4 stars). 2 submissions from 2 submitters: Likely benign (2). Last evaluated 2025-03-16.

gnomAD v4.1: 5 of 1,613,084 alleles (0.00031%); highest among the groups gnomAD compares: Non-Finnish European, 0.00042%; no homozygotes.

Submissions (2):

Labcorp Genetics (formerly Invitae), Labcorp
Classification: Likely benign. Last evaluated: 2025-03-16. Review status: criteria provided, single submitter. Criteria: Invitae Variant Classification Sherloc (09022015). Collection method: clinical testing. Allele origin: germline.

CeGaT Center for Human Genetics Tuebingen
Classification: Likely benign. Last evaluated: 2024-11-01. Review status: criteria provided, single submitter. Criteria: CeGaT Center For Human Genetics Tuebingen Variant Classification Criteria Version 2. Collection method: clinical testing. Allele origin: germline. Affected: yes. Observed: 1 variant allele.
Comment: EIF2AK4: BP4, BP7